The following is an entry in ClinVar:

ClinVar aggregate classification (germline): Uncertain significance (1 of 4 stars; one submission).

Conditions:
CSMD1-related disorder. Also called: CSMD1-related condition.

Submission:

PreventionGenetics, part of Exact Sciences
Classification: Uncertain significance for CSMD1-related condition. Last evaluated: 2025-12-17. Review status: criteria provided, single submitter. Criteria: ACMG Guidelines, 2015. Collection method: clinical testing. Allele origin: germline.
Comment: The CSMD1 c.9097A>C variant is predicted to result in the amino acid substitution p.Thr3033Pro. To our knowledge, this variant has not been reported in the literature or in a large population database, indicating this variant is rare. At this time, the clinical significance of this variant is uncertain due to the absence of conclusive functional and genetic evidence.

NM_033225.6(CSMD1):c.9097A>C (p.Thr3033Pro)

Genes: CSMD1 (CUB and Sushi multiple domains 1; minus strand), LOC105377785 (uncharacterized LOC105377785; plus strand). Cytogenetic location: 8p23.2.
Variant type: single nucleotide variant.
Coding change: c.9097A>C on transcript NM_033225.6 (MANE Select); coding-DNA position 9097, A replaced by C.
Protein change: p.Thr3033Pro; replaces threonine 3033 with proline.
Molecular consequence: missense variant.
Genome position (GRCh38, 1-based): chr8:2,966,573, T>G on the plus strand (A>C on the coding strand, the complement: CSMD1 is on the minus strand). VCF-style: chr8-2966573-T-G. GRCh37 (hg19) VCF-style: chr8-2824095-T-G.
Other names: short protein forms T3033P.
Identifiers: ClinVar variation 2631512 (VCV002631512.2), dbSNP rs755276990, ClinGen allele CA369971813.
Genomic context (GRCh38, chr8:2,966,573, plus strand): 5'-CCAATGGAGTGAATTTCATAGTAACGTCTGAGTCTACCATGATGTCTGCTTACTAACTTG[T>G]GCAGTCGGGAGCAGTGCCTGTCCAGGTCCCATTGGCTGTGCAATGCCGTGTCATGAGCCC-3'
Protein context (NP_150094.5, residues 3023-3043): GTWTGTAPDC[Thr3033Pro]IISCGDPGTL